The following is an entry in ClinVar:

ClinVar aggregate classification (germline): Uncertain significance. Review status: criteria provided, multiple submitters, no conflicts (2 of 4 stars). 3 submissions from 3 submitters: Uncertain significance (3). Last evaluated 2025-05-03.

Conditions:
Inborn genetic diseases. Identifiers: MedGen C0950123, MeSH D030342.
Neutral lipid storage myopathy (NLSDM). Also called: NEUTRAL LIPID STORAGE DISEASE WITHOUT ICHTHYOSIS. Identifiers: Orphanet 98908, MedGen C1853136, MONDO:0012545, OMIM 610717.

Allele frequency attached by ClinVar (database versions not stated): gnomAD 0.00001; TOPMed 0.00002.

Submissions (3):

Ambry Genetics
Classification: Uncertain significance for Inborn genetic diseases. Last evaluated: 2025-05-03. Review status: criteria provided, single submitter. Criteria: Ambry Variant Classification Scheme 2023. Collection method: clinical testing. Allele origin: germline.

Labcorp Genetics (formerly Invitae), Labcorp
Classification: Uncertain significance for Neutral lipid storage myopathy. Last evaluated: 2021-09-15. Review status: criteria provided, single submitter. Criteria: Invitae Variant Classification Sherloc (09022015). Collection method: clinical testing. Allele origin: germline.
Comment: In summary, the available evidence is currently insufficient to determine the role of this variant in disease. Therefore, it has been classified as a Variant of Uncertain Significance. Algorithms developed to predict the effect of missense changes on protein structure and function output the following: SIFT: "Deleterious"; PolyPhen-2: "Benign"; Align-GVGD: "Class C0". The serine amino acid residue is found in multiple mammalian species, which suggests that this missense change does not adversely affect protein function. This variant has not been reported in the literature in individuals affected with PNPLA2-related conditions. This variant is not present in population databases (ExAC no frequency). This sequence change replaces glycine with serine at codon 446 of the PNPLA2 protein (p.Gly446Ser). The glycine residue is highly conserved and there is a small physicochemical difference between glycine and serine.

Revvity Omics, Revvity
Classification: Uncertain significance for Neutral lipid storage myopathy. Last evaluated: 2019-10-07. Review status: criteria provided, single submitter. Criteria: ACMG Guidelines, 2015. Collection method: clinical testing. Allele origin: germline.

NM_020376.4(PNPLA2):c.1336G>A (p.Gly446Ser)

Gene: PNPLA2 (patatin like domain 2, triacylglycerol lipase; plus strand). Cytogenetic location: 11p15.5.
Variant type: single nucleotide variant.
Coding change: c.1336G>A on transcript NM_020376.4 (MANE Select); coding-DNA position 1336, G replaced by A.
Protein change: p.Gly446Ser; replaces glycine 446 with serine.
Molecular consequence: missense variant.
Genome position (GRCh38, 1-based): chr11:824,683, G>A. VCF-style: chr11-824683-G-A. GRCh37 (hg19) VCF-style: chr11-824683-G-A.
Other names: short protein forms G446S.
Identifiers: ClinVar variation 945867 (VCV000945867.11), dbSNP rs368507289, ClinGen allele CA378985120.